The following is an entry in ClinVar:

ClinVar aggregate classification (germline): Uncertain significance (1 of 4 stars; one submission).

gnomAD v4.1: 3 of 1,612,190 alleles (0.00019%); highest among the groups gnomAD compares: African/African-American, 0.0027%; no homozygotes.

Submission:

Labcorp Genetics (formerly Invitae), Labcorp
Classification: Uncertain significance. Last evaluated: 2021-04-22. Review status: criteria provided, single submitter. Criteria: Invitae Variant Classification Sherloc (09022015). Collection method: clinical testing. Allele origin: germline.
Comment: In summary, the available evidence is currently insufficient to determine the role of this variant in disease. Therefore, it has been classified as a Variant of Uncertain Significance. Experimental studies and prediction algorithms are not available or were not evaluated, and the functional significance of this variant is currently unknown. This variant has not been reported in the literature in individuals with KIZ-related conditions. This variant is not present in population databases (ExAC no frequency). This sequence change replaces alanine with serine at codon 656 of the KIZ protein (p.Ala656Ser). The alanine residue is moderately conserved and there is moderate physicochemical difference between alanine and serine.

NM_018474.6(KIZ):c.1966G>T (p.Ala656Ser)

Gene: KIZ (kizuna centrosomal protein; plus strand). Cytogenetic location: 20p11.23.
Variant type: single nucleotide variant.
Coding change: c.1966G>T on transcript NM_018474.6 (MANE Select); coding-DNA position 1966, G replaced by T.
Protein change: p.Ala656Ser; replaces alanine 656 with serine.
Molecular consequence: missense variant.
Genome position (GRCh38, 1-based): chr20:21,246,520, G>T. VCF-style: chr20-21246520-G-T. GRCh37 (hg19) VCF-style: chr20-21227158-G-T.
Other names: c.1657G>T, p.Ala553Ser (NM_001163022.3); c.1567G>T, p.Ala523Ser (NM_001163023.3); c.1819G>T, p.Ala607Ser (NM_001276389.2); c.1912G>T, p.Ala638Ser (NM_001352434.2); c.1603G>T, p.Ala535Ser (NM_001352435.2); c.1624G>T, p.Ala542Ser (NM_001352436.2); short protein forms A638S, A656S, A523S, A535S, A542S, A553S, A607S.
Identifiers: ClinVar variation 1423069 (VCV001423069.6), dbSNP rs2123551999, ClinGen allele CA408496527.